The following is an entry in ClinVar:

ClinVar aggregate classification (germline): Benign. Review status: criteria provided, multiple submitters, no conflicts (2 of 4 stars). 3 submissions from 3 submitters: Benign (2). 1 of the submissions does not count toward it. Last evaluated 2021-03-11.

Conditions:
SARDH-related disorder. Also called: SARDH-related condition.

Allele frequency attached by ClinVar (database versions not stated): 1000 Genomes Project 30x 0.21002; TOPMed 0.26006; ESP Exome Variant Server 0.27587.
gnomAD v4.1: 507,694 of 1,613,708 alleles (31%); highest among the groups gnomAD compares: Non-Finnish European, 34%; 83,204 homozygotes.

Submissions (3):

GeneDx
Classification: Benign. Last evaluated: 2021-03-11. Review status: criteria provided, single submitter. Criteria: GeneDx Variant Classification Process June 2021. Collection method: clinical testing. Allele origin: germline. Affected: yes.

Breakthrough Genomics
Classification: Benign. Review status: criteria provided, single submitter. Criteria: ACMG Guidelines, 2015. Collection method: not provided. Allele origin: germline. Inheritance: Autosomal recessive inheritance. Affected: yes.

PreventionGenetics, part of Exact Sciences
Classification: Benign for SARDH-related condition. Last evaluated: 2019-10-28. Review status: no assertion criteria provided. Collection method: clinical testing. Allele origin: germline. Not counted in ClinVar's aggregate classification.
Comment: This variant is classified as benign based on ACMG/AMP sequence variant interpretation guidelines (Richards et al. 2015 PMID: 25741868, with internal and published modifications).

NM_001134707.2(SARDH):c.1785C>T (p.Ser595=)

Gene: SARDH (sarcosine dehydrogenase; minus strand). Cytogenetic location: 9q34.2.
Variant type: single nucleotide variant.
Coding change: c.1785C>T on transcript NM_001134707.2 (MANE Select); coding-DNA position 1785, C replaced by T.
Protein change: p.Ser595=; no amino-acid change (serine 595 retained).
Molecular consequence: synonymous variant.
Genome position (GRCh38, 1-based): chr9:133,696,245, G>A on the plus strand (C>T on the coding strand, the complement: SARDH is on the minus strand). VCF-style: chr9-133696245-G-A. GRCh37 (hg19) VCF-style: chr9-136561367-G-A.
Other names: c.1785C>T, p.Ser595= (NM_007101.4).
Identifiers: ClinVar variation 1239038 (VCV001239038.6), dbSNP rs2502740, ClinGen allele CA5314162.
Genomic context (GRCh38, chr9:133,696,245, plus strand): 5'-AGTGACAGGAACATGCCCCCCAACCTCAGGCTCCATACCTGGGGGTCGGCTGACATCTGC[G>A]GAGAAGAGCCAGTCGGCAGCCTTCCTTGCATCCAGCCCCACCAGGTAGAACTTCCCGAAG-3'
Protein context (NP_001128179.1, residues 585-605): DARKAADWLF[Ser595=]ADVSRPPGST